The following is an entry in ClinVar:

ClinVar aggregate classification (germline): Pathogenic. Review status: criteria provided, multiple submitters, no conflicts (2 of 4 stars). 2 submissions from 2 submitters: Pathogenic (2). Last evaluated 2024-06-03.

Conditions:
Mucopolysaccharidosis, MPS-IV-A (MPS4A). Also called: Mucopolysaccharidosis type IV A; Mucopolysaccharidosis Type IVA; Morquio syndrome A, mild; MORQUIO SYNDROME A; MPS IVA; mucopolysaccharidosis type 4A. Identifiers: Orphanet 309297, Orphanet 582, MedGen C0086651, MONDO:0009659, OMIM 253000.

Submissions (2):

Fulgent Genetics
Classification: Pathogenic for Mucopolysaccharidosis, MPS-IV-A. Last evaluated: 2024-06-03. Review status: criteria provided, single submitter. Criteria: ACMG Guidelines, 2015. Collection method: clinical testing. Allele origin: germline.

Laboratory of Diagnosis and Therapy of Lysosomal Disorders, University of Padova
Classification: Pathogenic for Mucopolysaccharidosis, MPS-IV-A. Last evaluated: 2021-02-01. Review status: criteria provided, single submitter. Criteria: ACMG Guidelines, 2015. Collection method: research. Allele origin: germline. Affected: yes.
Comment: Nonsense variant (PVS1_very strong); in vitro functional studies supportive of a damaging effect on the gene product (RNA studies; PS3_supporting); absent from gnomAD v2.1.1 (PM2_moderate)

Literature cited by the submitters: PubMed 15241807 (cited by Laboratory of Diagnosis and Therapy of Lysosomal Disorders, University of Padova); PubMed 25545067 (cited by Laboratory of Diagnosis and Therapy of Lysosomal Disorders, University of Padova); PubMed 34387910 (cited by Laboratory of Diagnosis and Therapy of Lysosomal Disorders, University of Padova).

NM_000512.5(GALNS):c.1120C>T (p.Gln374Ter)

Gene: GALNS (galactosamine (N-acetyl)-6-sulfatase; minus strand). Cytogenetic location: 16q24.3.
Variant type: single nucleotide variant.
Coding change: c.1120C>T on transcript NM_000512.5 (MANE Select); coding-DNA position 1120, C replaced by T.
Protein change: p.Gln374Ter; replaces glutamine 374 with a stop codon.
Molecular consequence: nonsense.
Genome position (GRCh38, 1-based): chr16:88,826,721, G>A on the plus strand (C>T on the coding strand, the complement: GALNS is on the minus strand). VCF-style: chr16-88826721-G-A. GRCh37 (hg19) VCF-style: chr16-88893129-G-A.
Other names: c.565C>T, p.Gln189Ter (NM_001323543.2); c.1138C>T, p.Gln380Ter (NM_001323544.2); short protein forms Q189*, Q374*, Q380*.
Identifiers: ClinVar variation 1048496 (VCV001048496.4), dbSNP rs761455237, ClinGen allele CA397098180.
Genomic context (GRCh38, chr16:88,826,721, plus strand): 5'-CTTGGATCGGGGGAAGGGGCCGGGGCAGGTCTAGCACCAACCTGTCCATCAGCCGGCCCT[G>A]CAGGAGGGTGGGGAGGAGGTTGAGGCCATCAATGGCCCTGTCGCTGGGCGGCGTCAGGCC-3'